The following is an entry in ClinVar:

ClinVar aggregate classification (germline): Uncertain significance (1 of 4 stars; one submission).

Submission:

Labcorp Genetics (formerly Invitae), Labcorp
Classification: Uncertain significance. Last evaluated: 2022-05-04. Review status: criteria provided, single submitter. Criteria: Invitae Variant Classification Sherloc (09022015). Collection method: clinical testing. Allele origin: germline.
Comment: In summary, the available evidence is currently insufficient to determine the role of this variant in disease. Therefore, it has been classified as a Variant of Uncertain Significance. Algorithms developed to predict the effect of sequence changes on RNA splicing suggest that this variant may disrupt the consensus splice site. This variant has not been reported in the literature in individuals affected with ERCC6-related conditions. This variant is not present in population databases (gnomAD no frequency). This sequence change falls in intron 4 of the ERCC6 gene. It does not directly change the encoded amino acid sequence of the ERCC6 protein.

NM_000124.4(ERCC6):c.653-6T>C

Gene: ERCC6 (ERCC excision repair 6, chromatin remodeling factor; minus strand). Cytogenetic location: 10q11.23.
Variant type: single nucleotide variant.
Coding change: c.653-6T>C on transcript NM_000124.4 (MANE Select); 6 bases into the intron before coding-DNA position 653, T replaced by C.
Molecular consequence: intron variant.
Genome position (GRCh38, 1-based): chr10:49,524,783, A>G on the plus strand (T>C on the coding strand, the complement: ERCC6 is on the minus strand). VCF-style: chr10-49524783-A-G. GRCh37 (hg19) VCF-style: chr10-50732829-A-G.
Other names: c.653-6T>C (NM_001346440.2, NM_001277059.2, NM_001277058.2).
Identifiers: ClinVar variation 2133719 (VCV002133719.4), dbSNP rs2496142667, ClinGen allele CA2580081579.